The following is an entry in ClinVar:

ClinVar aggregate classification (germline): Conflicting classifications of pathogenicity. Review status: criteria provided, conflicting classifications (1 of 4 stars). 5 submissions from 5 submitters: Uncertain significance (4); Likely benign (1). Last evaluated 2026-01-20.

Conditions:
Bethlem myopathy 1A. Also called: Bethlem Muscular Dystrophy; MYOPATHY, BENIGN CONGENITAL, WITH CONTRACTURES; Bethlem myopathy 1. Identifiers: Orphanet 610, MedGen CN029274, MONDO:0024530, OMIM 158810.

Allele frequency attached by ClinVar (database versions not stated): gnomAD exomes 0.00015; ExAC 0.00032; 1000 Genomes Project 0.00060; TOPMed 0.00072; ESP Exome Variant Server 0.00085; 1000 Genomes Project 30x 0.00062; gnomAD 0.00065 and 0.00070.
gnomAD v4.1: 178 of 1,603,046 alleles (0.011%); highest among the groups gnomAD compares: African/African-American, 0.22%; no homozygotes.

Submissions (5):

Labcorp Genetics (formerly Invitae), Labcorp
Classification: Likely benign for Bethlem myopathy 1A. Last evaluated: 2026-01-20. Review status: criteria provided, single submitter. Criteria: Invitae Variant Classification Sherloc (09022015). Collection method: clinical testing. Allele origin: germline.

GeneDx
Classification: Uncertain significance. Last evaluated: 2025-03-18. Review status: criteria provided, single submitter. Criteria: GeneDx Variant Classification Process June 2021. Collection method: clinical testing. Allele origin: germline. Affected: yes.
Comment: Reported previously as heterozygous in an individual with clinically suspected limb-girdle muscular dystrophy; however, the authors classified A570T as a variant of uncertain significance and additional clinical information was not provided (PMID: 30564623); In silico analysis indicates that this missense variant does not alter protein structure/function; This variant is associated with the following publications: (PMID: 32906206, 30564623, 37273706)

Revvity Omics, Revvity
Classification: Uncertain significance. Last evaluated: 2024-10-22. Review status: criteria provided, single submitter. Criteria: ACMG Guidelines, 2015. Collection method: clinical testing. Allele origin: germline.

Mayo Clinic Laboratories, Mayo Clinic
Classification: Uncertain significance. Last evaluated: 2023-06-07. Review status: criteria provided, single submitter. Criteria: ACMG Guidelines, 2015. Collection method: clinical testing. Allele origin: germline. Observed: 1 variant allele.
Comment: BS1

Eurofins Ntd Llc (ga)
Classification: Uncertain significance. Last evaluated: 2015-11-30. Review status: criteria provided, single submitter. Criteria: EGL Classification Definitions 2015. Collection method: clinical testing. Allele origin: germline. Observed: 1 variant allele, 1 heterozygote.

Literature cited by the submitters: PubMed 30564623 (cited by Mayo Clinic Laboratories, Mayo Clinic).

NM_001848.3(COL6A1):c.1708G>A (p.Ala570Thr)

Gene: COL6A1 (collagen type VI alpha 1 chain; plus strand). Cytogenetic location: 21q22.3.
Variant type: single nucleotide variant.
Coding change: c.1708G>A on transcript NM_001848.3 (MANE Select); coding-DNA position 1708, G replaced by A.
Protein change: p.Ala570Thr; replaces alanine 570 with threonine.
Molecular consequence: missense variant.
Genome position (GRCh38, 1-based): chr21:45,999,186, G>A. VCF-style: chr21-45999186-G-A. GRCh37 (hg19) VCF-style: chr21-47419100-G-A.
Other names: p.Ala570Thr; short protein forms A570T.
Identifiers: ClinVar variation 285078 (VCV000285078.22), dbSNP rs144358858, ClinGen allele CA10070494.